The following is an entry in ClinVar:

ClinVar aggregate classification (germline): Uncertain significance (1 of 4 stars; one submission).

Submission:

Labcorp Genetics (formerly Invitae), Labcorp
Classification: Uncertain significance. Last evaluated: 2025-12-03. Review status: criteria provided, single submitter. Criteria: Invitae Variant Classification Sherloc (09022015). Collection method: clinical testing. Allele origin: germline.
Comment: This sequence change replaces valine, which is neutral and non-polar, with isoleucine, which is neutral and non-polar, at codon 225 of the HSD3B2 protein (p.Val225Ile). This variant is not present in population databases (gnomAD no frequency). This variant has not been reported in the literature in individuals affected with HSD3B2-related conditions. Invitae Evidence Modeling of protein sequence and biophysical properties (such as structural, functional, and spatial information, amino acid conservation, physicochemical variation, residue mobility, and thermodynamic stability) indicates that this missense variant is not expected to disrupt HSD3B2 protein function with a negative predictive value of 95%. This variant disrupts the p.Val225 amino acid residue in HSD3B2. Other variant(s) that disrupt this residue have been determined to be pathogenic (PMID: 33757164, 34526000). This suggests that this residue is clinically significant, and that variants that disrupt this residue are likely to be disease-causing. In summary, the available evidence is currently insufficient to determine the role of this variant in disease. Therefore, it has been classified as a Variant of Uncertain Significance.

Literature cited by the submitters: PubMed 33757164; PubMed 34526000.

NM_000198.4(HSD3B2):c.673G>A (p.Val225Ile)

Gene: HSD3B2 (hydroxy-delta-5-steroid dehydrogenase, 3 beta- and steroid delta-isomerase 2; plus strand). Cytogenetic location: 1p12.
Variant type: single nucleotide variant.
Coding change: c.673G>A on transcript NM_000198.4 (MANE Select); coding-DNA position 673, G replaced by A.
Protein change: p.Val225Ile; replaces valine 225 with isoleucine.
Molecular consequence: missense variant.
Genome position (GRCh38, 1-based): chr1:119,422,174, G>A. VCF-style: chr1-119422174-G-A. GRCh37 (hg19) VCF-style: chr1-119964797-G-A.
Other names: c.673G>A, p.Val225Ile (NM_001166120.2); short protein forms V225I.
Identifiers: ClinVar variation 4754912 (VCV004754912.1).